The following is an entry in ClinVar:

NM_000206.3(IL2RG):c.722_724dup (p.Ser241_His242insArg)

Gene: IL2RG (interleukin 2 receptor subunit gamma; minus strand). Cytogenetic location: Xq13.1.
Variant type: Duplication.
Coding change: c.722_724dup on transcript NM_000206.3 (MANE Select); coding-DNA positions 722 to 724, 3 bases duplicated (GCC; older notation c.722_724dupGCC).
Protein change: p.Ser241_His242insArg.
Molecular consequence: inframe insertion.
Genome position (GRCh38, 1-based): chrX:71,109,261-71,109,263, GGC duplicated on the plus strand (GCC on the coding strand, the reverse complement: IL2RG is on the minus strand). VCF-style (leftmost placement, unchanged base first): chrX-71109260-T-TGGC. GRCh37 (hg19) VCF-style: chrX-70329110-T-TGGC.
Identifiers: ClinVar variation 3067703 (VCV003067703.21), dbSNP rs2519645527, ClinGen allele CA2825002958.

ClinVar aggregate classification (germline): Likely pathogenic (1 of 4 stars; one submission).

Submission:

CeGaT Center for Human Genetics Tuebingen
Classification: Likely pathogenic. Last evaluated: 2024-06-01. Review status: criteria provided, single submitter. Criteria: CeGaT Center For Human Genetics Tuebingen Variant Classification Criteria Version 2. Collection method: clinical testing. Allele origin: germline. Affected: yes. Observed: 2 variant alleles.
Comment: IL2RG: PM1, PM2, PM4:Supporting, PP4